The following is an entry in ClinVar:

ClinVar aggregate classification (germline): Uncertain significance. Review status: criteria provided, multiple submitters, no conflicts (2 of 4 stars). 2 submissions from 2 submitters: Uncertain significance (2). Last evaluated 2024-09-18.

Conditions:
Inborn genetic diseases. Identifiers: MedGen C0950123, MeSH D030342.
Dystonic disorder. Also called: Dystonia. Identifiers: MedGen C0013421, MONDO:0003441, HP:0001332.

Allele frequency attached by ClinVar (database versions not stated): gnomAD 0.00001; TOPMed 0.00001; ExAC 0.00002.
gnomAD v4.1: 20 of 1,614,002 alleles (0.0012%); highest among the groups gnomAD compares: Middle Eastern, 0.016%; no homozygotes.

Submissions (2):

Ambry Genetics
Classification: Uncertain significance for Inborn genetic diseases. Last evaluated: 2024-09-18. Review status: criteria provided, single submitter. Criteria: Ambry Variant Classification Scheme 2023. Collection method: clinical testing. Allele origin: germline.

Labcorp Genetics (formerly Invitae), Labcorp
Classification: Uncertain significance for Dystonic disorder. Last evaluated: 2024-03-23. Review status: criteria provided, single submitter. Criteria: Invitae Variant Classification Sherloc (09022015). Collection method: clinical testing. Allele origin: germline.
Comment: This sequence change replaces glutamic acid, which is acidic and polar, with lysine, which is basic and polar, at codon 61 of the ANO3 protein (p.Glu61Lys). This variant is present in population databases (rs748148669, gnomAD 0.01%). This variant has not been reported in the literature in individuals affected with ANO3-related conditions. ClinVar contains an entry for this variant (Variation ID: 2136530). Advanced modeling of protein sequence and biophysical properties (such as structural, functional, and spatial information, amino acid conservation, physicochemical variation, residue mobility, and thermodynamic stability) performed at Invitae indicates that this missense variant is not expected to disrupt ANO3 protein function with a negative predictive value of 95%. In summary, the available evidence is currently insufficient to determine the role of this variant in disease. Therefore, it has been classified as a Variant of Uncertain Significance.

NM_031418.4(ANO3):c.181G>A (p.Glu61Lys)

Gene: ANO3 (anoctamin 3; plus strand). Cytogenetic location: 11p14.2.
Variant type: single nucleotide variant.
Coding change: c.181G>A on transcript NM_031418.4 (MANE Select); coding-DNA position 181, G replaced by A.
Protein change: p.Glu61Lys; replaces glutamic acid 61 with lysine.
Molecular consequence: missense variant.
Genome position (GRCh38, 1-based): chr11:26,442,052, G>A. VCF-style: chr11-26442052-G-A. GRCh37 (hg19) VCF-style: chr11-26463599-G-A.
Other names: c.364G>A, p.Glu122Lys (NM_001313726.2); c.181G>A (NM_031418.2); short protein forms E122K, E61K.
Identifiers: ClinVar variation 2136530 (VCV002136530.5), dbSNP rs748148669, ClinGen allele CA5925474.
Genomic context (GRCh38, chr11:26,442,052, plus strand): 5'-GCCCAGAGCTACGCTTACTCAAAGAGCTTGAGCCAGTCTACTTCCCTCTTCCAGTCAACC[G>A]AGAGTGAATCTCAGGCTCCCACATCTATAACCTTAATCTCCACTGACAAAGCAGAGCAAG-3'
Protein context (NP_113606.2, residues 51-71): SQSTSLFQST[Glu61Lys]SESQAPTSIT